The following is an entry in ClinVar:

ClinVar aggregate classification (germline): Likely benign (1 of 4 stars; one submission).

Submission:

CeGaT Center for Human Genetics Tuebingen
Classification: Likely benign. Last evaluated: 2026-05-01. Review status: criteria provided, single submitter. Criteria: CeGaT Center For Human Genetics Tuebingen Variant Classification Criteria Version 2. Collection method: clinical testing. Allele origin: germline. Affected: yes. Observed: 1 variant allele.
Comment: RHOBTB2: PM2:Supporting, BP4, BP7

NM_015178.3(RHOBTB2):c.279T>G (p.Arg93=)

Gene: RHOBTB2 (Rho related BTB domain containing 2; plus strand). Cytogenetic location: 8p21.3.
Variant type: single nucleotide variant.
Coding change: c.279T>G on transcript NM_015178.3 (MANE Select); coding-DNA position 279, T replaced by G.
Protein change: p.Arg93=; no amino-acid change (arginine 93 retained).
Molecular consequence: synonymous variant.
Genome position (GRCh38, 1-based): chr8:23,005,458, T>G. VCF-style: chr8-23005458-T-G. GRCh37 (hg19) VCF-style: chr8-22862971-T-G.
Other names: c.345T>G, p.Arg115= (NM_001160036.2); c.300T>G, p.Arg100= (NM_001160037.2); c.279T>G, p.Arg93= (NM_001374791.1).
Identifiers: ClinVar variation 4872800 (VCV004872800.2).